The following is an entry in ClinVar:

ClinVar aggregate classification (germline): Likely pathogenic (0 of 4 stars; one submission).

Conditions:
LRP4-related disorder. Also called: LRP4-related condition.

Submission:

PreventionGenetics, part of Exact Sciences
Classification: Likely pathogenic for LRP4-related condition. Last evaluated: 2024-08-05. Review status: no assertion criteria provided. Collection method: clinical testing. Allele origin: germline.
Comment: The LRP4 c.589delC variant is predicted to result in a frameshift and premature protein termination (p.Gln197Serfs*200). To our knowledge, this variant has not been reported in the literature or in a large population database, indicating this variant is rare. Frameshift variants in LRP4 are expected to be pathogenic. This variant is interpreted as likely pathogenic for autosomal recessive Cenani-Lenz syndrome.

NM_002334.4(LRP4):c.589del (p.Gln197fs)

Gene: LRP4 (LDL receptor related protein 4; minus strand). Cytogenetic location: 11p11.2.
Variant type: Deletion.
Coding change: c.589del on transcript NM_002334.4 (MANE Select); coding-DNA position 589, one base deleted (C; older notation c.589delC).
Protein change: p.Gln197fs; shifts the reading frame from glutamine 197.
Molecular consequence: frameshift variant.
Genome position (GRCh38, 1-based): chr11:46,898,991, G deleted on the plus strand (C on the coding strand, the reverse complement: LRP4 is on the minus strand); the first of 2 consecutive G bases (chr11:46,898,991-46,898,992); deleting either gives the same sequence. VCF-style (leftmost placement, unchanged base first): chr11-46898990-TG-T. GRCh37 (hg19) VCF-style: chr11-46920541-TG-T.
Other names: short protein forms Q197fs.
Identifiers: ClinVar variation 3347026 (VCV003347026.1).